The following is an entry in ClinVar:

NM_006766.5(KAT6A):c.5268G>A (p.Leu1756=)

Gene: KAT6A (lysine acetyltransferase 6A; minus strand). Cytogenetic location: 8p11.21.
Variant type: single nucleotide variant.
Coding change: c.5268G>A on transcript NM_006766.5 (MANE Select); coding-DNA position 5268, G replaced by A.
Protein change: p.Leu1756=; no amino-acid change (leucine 1756 retained).
Molecular consequence: synonymous variant.
Genome position (GRCh38, 1-based): chr8:41,932,952, C>T on the plus strand (G>A on the coding strand, the complement: KAT6A is on the minus strand). VCF-style: chr8-41932952-C-T. GRCh37 (hg19) VCF-style: chr8-41790470-C-T.
Identifiers: ClinVar variation 2998656 (VCV002998656.7), dbSNP rs2486752205, ClinGen allele CA460783488.

ClinVar aggregate classification (germline): Likely benign. Review status: criteria provided, multiple submitters, no conflicts (2 of 4 stars). 2 submissions from 2 submitters: Likely benign (2). Last evaluated 2026-03-01.

Allele frequency attached by ClinVar (database versions not stated): gnomAD exomes below 0.00001.
gnomAD v4.1: 5 of 1,614,178 alleles (0.00031%); highest among the groups gnomAD compares: Non-Finnish European, 0.00042%; no homozygotes.

Submissions (2):

CeGaT Center for Human Genetics Tuebingen
Classification: Likely benign. Last evaluated: 2026-03-01. Review status: criteria provided, single submitter. Criteria: CeGaT Center For Human Genetics Tuebingen Variant Classification Criteria Version 2. Collection method: clinical testing. Allele origin: germline. Affected: yes. Observed: 1 variant allele.
Comment: KAT6A: BP4, BP7

Labcorp Genetics (formerly Invitae), Labcorp
Classification: Likely benign. Last evaluated: 2025-11-27. Review status: criteria provided, single submitter. Criteria: Invitae Variant Classification Sherloc (09022015). Collection method: clinical testing. Allele origin: germline.